The following is an entry in ClinVar:

NM_001042424.3(NSD2):c.619del (p.Cys207fs)

Gene: NSD2 (nuclear receptor binding SET domain protein 2; plus strand). Cytogenetic location: 4p16.3.
Variant type: Deletion.
Coding change: c.619del on transcript NM_001042424.3 (MANE Select); coding-DNA position 619, one base deleted (T; older notation c.619delT).
Protein change: p.Cys207fs; shifts the reading frame from cysteine 207.
Molecular consequence: frameshift variant.
Genome position (GRCh38, 1-based): chr4:1,904,237, T deleted; the last of 2 consecutive T bases (chr4:1,904,236-1,904,237); deleting either gives the same sequence. VCF-style (leftmost placement, unchanged base first): chr4-1904235-CT-C. GRCh37 (hg19) VCF-style: chr4-1905962-CT-C.
Other names: c.619delT (NM_133330.2); c.619del, p.Cys207fs (NM_007331.2, NM_133330.3, NM_133331.3 and 1 more transcripts); c.619delT, p.Cys207Valfs (NM_133334.3); short protein forms C207fs.
Identifiers: ClinVar variation 976658 (VCV000976658.1), dbSNP rs1717589360, ClinGen allele CA1139658413.

ClinVar aggregate classification (germline): Pathogenic (0 of 4 stars; one submission).

Conditions:
NSD2-associated disorder.
atypical Wolf-Hirschhorn syndrome.

Submission:

Clinical Genomics Laboratory, Stanford Medicine
Classification: Pathogenic for NSD2-associated disorder; atypical Wolf-Hirschhorn syndrome. Last evaluated: 2019-12-02. Review status: no assertion criteria provided. Collection method: clinical testing. Allele origin: germline. Inheritance: Autosomal dominant inheritance. Affected: yes.
Comment: This variant was absent from large population databases, including the Genome Aggregation Database. The p.Cys207Valfs*12 variant results in a 1 bp deletion, which causes a shift in the protein reading frame, leading to a premature termination codon 12 amino acids downstream. This premature termination codon is in exon 5 of 24 coding exons, and is therefore predicted to undergo nonsense-mediated decay resulting in a truncated or absent protein. Heterozygous loss of function is an established mechanism of disease for the NSD2 gene. These data were assessed using the ACMG/AMP variant interpretation guidelines. In summary, there is sufficient evidence to classify the p.Cys207Valfs*12 variant as pathogenic for autosomal dominant NSD2-associated disorder based on the information above. [ACMG evidence codes used: PVS1; PS2_supporting; PM2]